The following is an entry in ClinVar:

NM_031475.3(ESPN):c.200_204delinsTCCAT (p.Ala67_Arg68delinsValHis)

Gene: ESPN (espin; plus strand). Cytogenetic location: 1p36.31.
Variant type: Indel.
Coding change: c.200_204delinsTCCAT on transcript NM_031475.3 (MANE Select); coding-DNA positions 200 to 204, CCCGC replaced by TCCAT.
Protein change: p.Ala67_Arg68delinsValHis.
Molecular consequence: missense variant.
Genome position (GRCh38, 1-based): chr1:6,425,155-6,425,159, CCCGC replaced by TCCAT. VCF-style: chr1-6425155-CCCGC-TCCAT. GRCh37 (hg19) VCF-style: chr1-6485215-CCCGC-TCCAT.
Other names: c.200_204delinsTCCAT, p.Ala67_Arg68delinsValHis (NM_001367473.1, NM_001367474.1).
Identifiers: ClinVar variation 2573890 (VCV002573890.1), dbSNP rs2522705932, ClinGen allele CA2580612912.
Genomic context (GRCh38, chr1:6,425,155, plus strand): 5'-GGAAGCTGCACTGTCTGCGCTTCCTGGTGGAGGAAGCCGCCCTCCCCGCCGCGGCCCGCG[CCCGC>TCCAT]AACGGCGCCACACCGGCCCACGACGCCTCCGCCACCGGCCACCTCGCCTGCCTGCAGTGG-3'

ClinVar aggregate classification (germline): Uncertain significance (1 of 4 stars; one submission).

Submission:

GeneDx
Classification: Uncertain significance. Last evaluated: 2023-01-24. Review status: criteria provided, single submitter. Criteria: GeneDx Variant Classification Process June 2021. Collection method: clinical testing. Allele origin: germline. Affected: yes.
Comment: In-frame deletion of two amino acids and insertion of two different amino acids in a non-repeat region; Not observed at significant frequency in large population cohorts (gnomAD); In silico analysis supports that this variant does not alter protein structure/function; Has not been previously published as pathogenic or benign to our knowledge